The following is an entry in ClinVar:

NM_001451.3(FOXF1):c.246C>A (p.Phe82Leu)

Gene: FOXF1 (forkhead box F1; plus strand). Cytogenetic location: 16q24.1.
Variant type: single nucleotide variant.
Coding change: c.246C>A on transcript NM_001451.3 (MANE Select); coding-DNA position 246, C replaced by A.
Protein change: p.Phe82Leu; replaces phenylalanine 82 with leucine.
Molecular consequence: missense variant.
Genome position (GRCh38, 1-based): chr16:86,510,815, C>A. VCF-style: chr16-86510815-C-A. GRCh37 (hg19) VCF-style: chr16-86544421-C-A.
Other names: short protein forms F82L.
Identifiers: ClinVar variation 3899466 (VCV003899466.1).
Genomic context (GRCh38, chr16:86,510,815, plus strand): 5'-GAGTTCACCCACCAAGCGCCTGACGCTGAGCGAGATCTACCAGTTCCTGCAGAGCCGCTT[C>A]CCCTTCTTCCGGGGCTCCTACCAGGGCTGGAAGAACTCCGTGCGCCACAACCTCTCGCTC-3'
Protein context (NP_001442.2, residues 72-92): SEIYQFLQSR[Phe82Leu]PFFRGSYQGW

ClinVar aggregate classification (germline): Pathogenic (1 of 4 stars; one submission).

Submission:

GeneDx
Classification: Pathogenic. Last evaluated: 2024-11-17. Review status: criteria provided, single submitter. Criteria: GeneDx Variant Classification Process June 2021. Collection method: clinical testing. Allele origin: germline. Affected: yes.
Comment: Not observed at significant frequency in large population cohorts (gnomAD); Has not been previously published as pathogenic or benign to our knowledge; In silico analysis supports that this missense variant has a deleterious effect on protein structure/function